The following is an entry in ClinVar:

ClinVar aggregate classification (germline): Pathogenic/Likely pathogenic. Review status: criteria provided, multiple submitters, no conflicts (2 of 4 stars). 2 submissions from 2 submitters: Pathogenic (1); Likely pathogenic (1). Last evaluated 2022-11-14.

Conditions:
Macrocephaly, acquired, with impaired intellectual development. Also called: MACROCEPHALY, ACQUIRED, WITH MENTAL RETARDATION. Identifiers: MedGen C4748993, MONDO:0032658, OMIM 618286.

Submissions (2):

Labcorp Genetics (formerly Invitae), Labcorp
Classification: Pathogenic. Last evaluated: 2022-11-14. Review status: criteria provided, single submitter. Criteria: Invitae Variant Classification Sherloc (09022015). Collection method: clinical testing. Allele origin: germline.
Comment: This sequence change creates a premature translational stop signal (p.Arg48*) in the NFIB gene. It is expected to result in an absent or disrupted protein product. Loss-of-function variants in NFIB are known to be pathogenic (PMID: 30388402). This variant is not present in population databases (gnomAD no frequency). This variant has not been reported in the literature in individuals affected with NFIB-related conditions. ClinVar contains an entry for this variant (Variation ID: 1343163). For these reasons, this variant has been classified as Pathogenic.

Department of Genetics, Rouen University Hospital, Normandy Center for Genomic and Personalized Medicine
Classification: Likely pathogenic for Macrocephaly, acquired, with impaired intellectual development. Last evaluated: 2021-01-28. Review status: criteria provided, single submitter. Criteria: ACMG Guidelines, 2015. Collection method: clinical testing. Allele origin: paternal. Affected: yes.

Literature cited by the submitters: PubMed 30388402 (cited by Labcorp Genetics (formerly Invitae), Labcorp).

NM_001190737.2(NFIB):c.142C>T (p.Arg48Ter)

Gene: NFIB (nuclear factor I B; minus strand). Cytogenetic location: 9p22.3.
Variant type: single nucleotide variant.
Coding change: c.142C>T on transcript NM_001190737.2 (MANE Select); coding-DNA position 142, C replaced by T.
Protein change: p.Arg48Ter; replaces arginine 48 with a stop codon.
Molecular consequence: nonsense. On other transcripts: 5 prime UTR variant (1).
Genome position (GRCh38, 1-based): chr9:14,307,409, G>A on the plus strand (C>T on the coding strand, the complement: NFIB is on the minus strand). VCF-style: chr9-14307409-G-A. GRCh37 (hg19) VCF-style: chr9-14307408-G-A.
Other names: c.220C>T, p.Arg74Ter (NM_001190738.2); c.208C>T, p.Arg70Ter (NM_001369458.1, NM_001369459.1, NM_001369462.1 and 1 more transcripts); c.130C>T, p.Arg44Ter (NM_001369460.1, NM_001369463.1, NM_001369466.1 and 4 more transcripts); c.142C>T, p.Arg48Ter (NM_001369461.1, NM_001369464.1, NM_001369471.1 and 4 more transcripts); c.115C>T, p.Arg39Ter (NM_001369465.1, NM_001369467.1, NM_001369476.1); c.-3C>T (NM_001369469.1); c.127C>T, p.Arg43Ter (NM_001369474.1); short protein forms R39*, R43*, R44*, R48*, R70*, R74*.
Identifiers: ClinVar variation 1343163 (VCV001343163.7), dbSNP rs2132704082, ClinGen allele CA373090765.